The following is an entry in ClinVar:

NM_006852.6(TLK2):c.1456_1458del (p.His486del)

Gene: TLK2 (tousled like kinase 2; plus strand). Cytogenetic location: 17q23.2.
Variant type: Deletion.
Coding change: c.1456_1458del on transcript NM_006852.6 (MANE Select); coding-DNA positions 1456 to 1458, 3 bases deleted (CAC; older notation c.1456_1458delCAC).
Protein change: p.His486del; deletes histidine 486.
Molecular consequence: inframe deletion.
Genome position (GRCh38, 1-based): chr17:62,586,222-62,586,224, CAC deleted; deleting any 3 consecutive bases within chr17:62,586,220-62,586,224 gives the same sequence; the c. name uses the placement nearest the transcript's 3' end. VCF-style (leftmost placement, unchanged base first): chr17-62586219-TACC-T. GRCh37 (hg19) VCF-style: chr17-60663580-TACC-T.
Other names: c.1456_1458delCAC (NM_006852.3); c.1522_1524del, p.His508del (NM_001284333.3); c.1360_1362del, p.His454del (NM_001284363.1, NM_001375272.1); c.1009_1011del, p.His337del (NM_001330418.3, NM_001375273.1); c.1498_1500del, p.His500del (NM_001375269.1); c.1456_1458del, p.His486del (NM_001375270.1, NM_001375271.1); short protein forms H337del, H454del, H486del, H500del, H508del.
Identifiers: ClinVar variation 1304395 (VCV001304395.4), dbSNP rs2146902141, ClinGen allele CA2573054539.

ClinVar aggregate classification (germline): Uncertain significance. Review status: criteria provided, multiple submitters, no conflicts (2 of 4 stars). 2 submissions from 2 submitters: Uncertain significance (2). Last evaluated 2022-01-01.

Conditions:
Intellectual developmental disorder, autosomal dominant 57. Also called: MENTAL RETARDATION, AUTOSOMAL DOMINANT 57; Intellectual disability, autosomal dominant 57. Identifiers: MedGen C4748003, MONDO:0054837, OMIM 618050.

Submissions (2):

Provincial Medical Genetics Program of British Columbia, University of British Columbia
Classification: Uncertain significance for Intellectual developmental disorder, autosomal dominant 57. Last evaluated: 2022-01-01. Review status: criteria provided, single submitter. Criteria: ACMG Guidelines, 2015. Collection method: clinical testing. Allele origin: paternal. Affected: yes.

GeneDx
Classification: Uncertain significance. Last evaluated: 2020-09-03. Review status: criteria provided, single submitter. Criteria: GeneDx Variant Classification Process June 2021. Collection method: clinical testing. Allele origin: germline. Affected: yes.
Comment: Not observed in large population cohorts (Lek et al., 2016); In-frame deletion of 1 amino acids in a non-repeat region; In silico analysis, which includes protein predictors and evolutionary conservation, supports a deleterious effect; Has not been previously published as pathogenic or benign to our knowledge